The following is an entry in ClinVar:

ClinVar aggregate classification (germline): Uncertain significance (1 of 4 stars; one submission).

Conditions:
Hereditary cancer-predisposing syndrome. Also called: Neoplastic Syndromes, Hereditary; Tumor predisposition; Hereditary Cancer Syndrome; Hereditary neoplastic syndrome. Identifiers: Orphanet 140162, MedGen C0027672, MeSH D009386, MONDO:0015356.

Submission:

Ambry Genetics
Classification: Uncertain significance for Hereditary cancer-predisposing syndrome. Last evaluated: 2025-11-04. Review status: criteria provided, single submitter. Criteria: Ambry Variant Classification Scheme 2023. Collection method: clinical testing. Allele origin: germline.
Comment: The p.L138I variant (also known as c.412C>A), located in coding exon 3 of the NTHL1 gene, results from a C to A substitution at nucleotide position 412. The leucine at codon 138 is replaced by isoleucine, an amino acid with highly similar properties. This amino acid position is conserved. In addition, this alteration is predicted to be deleterious by in silico analysis. Based on the available evidence, the clinical significance of this variant remains unclear.

NM_002528.7(NTHL1):c.388C>A (p.Leu130Ile)

Gene: NTHL1 (nth like DNA glycosylase 1; minus strand). Cytogenetic location: 16p13.3.
Variant type: single nucleotide variant.
Coding change: c.388C>A on transcript NM_002528.7 (MANE Select); coding-DNA position 388, C replaced by A.
Protein change: p.Leu130Ile; replaces leucine 130 with isoleucine.
Molecular consequence: missense variant. On other transcripts: intron variant (1).
Genome position (GRCh38, 1-based): chr16:2,044,767, G>T on the plus strand (C>A on the coding strand, the complement: NTHL1 is on the minus strand). VCF-style: chr16-2044767-G-T. GRCh37 (hg19) VCF-style: chr16-2094768-G-T.
Other names: c.58C>A, p.Leu20Ile (NM_001318194.2); c.355-1041C>A (NM_001318193.2); short protein forms L20I, L130I.
Identifiers: ClinVar variation 4662352 (VCV004662352.1).